The following is an entry in ClinVar:

NM_130839.5(UBE3A):c.232A>G (p.Lys78Glu)

Genes: SNHG14 (small nucleolar RNA host gene 14; plus strand), UBE3A (ubiquitin protein ligase E3A; minus strand). Cytogenetic location: 15q11.2.
Variant type: single nucleotide variant.
Coding change: c.232A>G on transcript NM_130839.5 (MANE Select); coding-DNA position 232, A replaced by G.
Protein change: p.Lys78Glu; replaces lysine 78 with glutamic acid.
Molecular consequence: missense variant. On other transcripts: non-coding transcript variant (1).
Genome position (GRCh38, 1-based): chr15:25,375,594, T>C on the plus strand (A>G on the coding strand, the complement: UBE3A is on the minus strand). VCF-style: chr15-25375594-T-C. GRCh37 (hg19) VCF-style: chr15-25620741-T-C.
Other names: c.241A>G, p.Lys81Glu (NM_000462.5); c.232A>G, p.Lys78Glu (NM_001354505.1, NM_001354538.2, NM_001354545.2 and 1 more transcripts); c.172A>G, p.Lys58Glu (NM_001354506.2, NM_001354507.2, NM_001354508.2 and 18 more transcripts); c.55A>G, p.Lys19Glu (NM_001354546.2); short protein forms K81E, K78E, K58E, K19E.
Identifiers: ClinVar variation 1904032 (VCV001904032.6), dbSNP rs2552193039, ClinGen allele CA391356337.

ClinVar aggregate classification (germline): Uncertain significance. Review status: criteria provided, multiple submitters, no conflicts (2 of 4 stars). 2 submissions from 2 submitters: Uncertain significance (2). Last evaluated 2025-02-28.

Conditions:
Angelman syndrome (AS). Also called: HAPPY PUPPET SYNDROME. Identifiers: Orphanet 72, MedGen C0162635, MONDO:0007113, OMIM 105830. Disease mechanism: loss of function. Inheritance: AS is caused by disruption of maternally imprinted UBE3A located within the 15q11.2-q13 Angelman syndrome/Prader-Willi syndrome (AS/PWS) region., imprinting disorder.

Submissions (2):

3billion
Classification: Uncertain significance for Angelman syndrome. Last evaluated: 2025-02-28. Review status: criteria provided, single submitter. Criteria: ACMG Guidelines, 2015. Collection method: clinical testing. Allele origin: germline. Affected: yes.
Comment: The variant is not observed in the gnomAD v4.1.0 dataset. Predicted Consequence/Location: Missense variant In silico tool predictions suggest damaging effect of the variant on gene or gene product [REVEL: 0.11 (>=0.6, sensitivity 0.68 and specificity 0.92); 3Cnet: 0.96 (> 0.75, sensitivity 0.96 and precision 0.92)]. A different missense change at the same codon (p.Lys78Asn) has been reported to be associated with UBE3A-related disorder (ClinVar ID: VCV003256777). Therefore, this variant is classified as VUS according to the recommendation of ACMG/AMP guideline.

Labcorp Genetics (formerly Invitae), Labcorp
Classification: Uncertain significance for Angelman syndrome. Last evaluated: 2022-10-07. Review status: criteria provided, single submitter. Criteria: Invitae Variant Classification Sherloc (09022015). Collection method: clinical testing. Allele origin: germline.
Comment: This sequence change replaces lysine, which is basic and polar, with glutamic acid, which is acidic and polar, at codon 58 of the UBE3A protein (p.Lys58Glu). This variant is not present in population databases (gnomAD no frequency). This variant has not been reported in the literature in individuals affected with UBE3A-related conditions. Advanced modeling of protein sequence and biophysical properties (such as structural, functional, and spatial information, amino acid conservation, physicochemical variation, residue mobility, and thermodynamic stability) has been performed at Invitae for this missense variant, however the output from this modeling did not meet the statistical confidence thresholds required to predict the impact of this variant on UBE3A protein function. In summary, the available evidence is currently insufficient to determine the role of this variant in disease. Therefore, it has been classified as a Variant of Uncertain Significance.